The following is an entry in ClinVar:

NM_001111125.3(IQSEC2):c.1711G>A (p.Gly571Ser)

Gene: IQSEC2 (IQ motif and Sec7 domain ArfGEF 2; minus strand). Cytogenetic location: Xp11.22.
Variant type: single nucleotide variant.
Coding change: c.1711G>A on transcript NM_001111125.3 (MANE Select); coding-DNA position 1711, G replaced by A.
Protein change: p.Gly571Ser; replaces glycine 571 with serine.
Molecular consequence: missense variant.
Genome position (GRCh38, 1-based): chrX:53,250,865, C>T on the plus strand (G>A on the coding strand, the complement: IQSEC2 is on the minus strand). VCF-style: chrX-53250865-C-T. GRCh37 (hg19) VCF-style: chrX-53280047-C-T.
Other names: c.1096G>A, p.Gly366Ser (NM_015075.2); short protein forms G571S, G366S.
Identifiers: ClinVar variation 197719 (VCV000197719.22), dbSNP rs797044752, ClinGen allele CA246022.

ClinVar aggregate classification (germline): Conflicting classifications of pathogenicity. Review status: criteria provided, conflicting classifications (1 of 4 stars). 4 submissions from 4 submitters: Uncertain significance (2); Likely benign (2). Last evaluated 2024-08-29.

Conditions:
Inborn genetic diseases. Identifiers: MedGen C0950123, MeSH D030342.
Intellectual developmental disorder, X-linked 1. Also called: MENTAL RETARDATION, X-LINKED 18; MENTAL RETARDATION, X-LINKED 78; Intellectual disability, X-linked 1; Atkin Flaitz Patil Smith syndrome. Identifiers: Orphanet 777, MedGen C2931498, MONDO:0010656, OMIM 309530.

Allele frequency attached by ClinVar (database versions not stated): gnomAD exomes 0.00002 and 0.00005; TOPMed 0.00005; gnomAD 0.00006 and 0.00007.
gnomAD v4.1: 66 of 1,209,208 alleles (0.0055%); highest among the groups gnomAD compares: Non-Finnish European, 0.007%; no homozygotes.

Submissions (4):

Labcorp Genetics (formerly Invitae), Labcorp
Classification: Likely benign for Intellectual developmental disorder, X-linked 1. Last evaluated: 2024-08-29. Review status: criteria provided, single submitter. Criteria: Invitae Variant Classification Sherloc (09022015). Collection method: clinical testing. Allele origin: germline.

GeneDx
Classification: Likely benign. Last evaluated: 2020-06-22. Review status: criteria provided, single submitter. Criteria: GeneDx Variant Classification Process June 2021. Collection method: clinical testing. Allele origin: germline. Affected: yes.

Eurofins Ntd Llc (ga)
Classification: Uncertain significance. Last evaluated: 2018-05-18. Review status: criteria provided, single submitter. Criteria: EGL ClinVar v180209 classification definitions. Collection method: clinical testing. Allele origin: germline. Observed: 3 variant alleles, 1 heterozygote, 2 hemizygotes.

Ambry Genetics
Classification: Uncertain significance for Inborn genetic diseases. Last evaluated: 2017-05-22. Review status: criteria provided, single submitter. Criteria: Ambry Variant Classification Scheme 2023. Collection method: clinical testing. Allele origin: germline.
Comment: The p.G571S variant (also known as c.1711G>A), located in coding exon 5 of the IQSEC2 gene, results from a G to A substitution at nucleotide position 1711. The glycine at codon 571 is replaced by serine, an amino acid with similar properties. This amino acid position is not well conserved in available vertebrate species. In addition, this alteration is predicted to be tolerated by in silico analysis. Since supporting evidence is limited at this time, the clinical significance of this alteration remains unclear.